The following is an entry in ClinVar:

NM_000059.4(BRCA2):c.6847C>T (p.Pro2283Ser)

Gene: BRCA2 (BRCA2 DNA repair associated; plus strand). Cytogenetic location: 13q13.1.
Variant type: single nucleotide variant.
Coding change: c.6847C>T on transcript NM_000059.4 (MANE Select); coding-DNA position 6847, C replaced by T.
Protein change: p.Pro2283Ser; replaces proline 2283 with serine.
Molecular consequence: missense variant.
Genome position (GRCh38, 1-based): chr13:32,344,563, C>T. VCF-style: chr13-32344563-C-T. GRCh37 (hg19) VCF-style: chr13-32918700-C-T.
Other names: short protein forms P2283S.
Identifiers: ClinVar variation 1171614 (VCV001171614.2), dbSNP rs80358909, ClinGen allele CA387792620.

ClinVar aggregate classification (germline): Uncertain significance (1 of 4 stars; one submission).

Conditions:
Hereditary cancer-predisposing syndrome. Also called: Tumor predisposition; Hereditary neoplastic syndrome; Hereditary Cancer Syndrome; Neoplastic Syndromes, Hereditary. Identifiers: Orphanet 140162, MedGen C0027672, MeSH D009386, MONDO:0015356.

Submission:

Color Diagnostics, LLC DBA Color Health
Classification: Uncertain significance for Hereditary cancer-predisposing syndrome. Last evaluated: 2020-12-01. Review status: criteria provided, single submitter. Criteria: ACMG Guidelines, 2015. Collection method: clinical testing. Allele origin: germline.
Comment: This missense variant replaces proline with serine at codon 2283 of the BRCA2 protein. Computational prediction is inconclusive regarding the impact of this variant on protein structure and function (internally defined REVEL score threshold 0.5 < inconclusive < 0.7, PMID: 27666373). To our knowledge, functional studies have not been reported for this variant. This variant has not been reported in individuals affected with hereditary cancer in the literature. This variant has not been identified in the general population by the Genome Aggregation Database (gnomAD). The available evidence is insufficient to determine the role of this variant in disease conclusively. Therefore, this variant is classified as a Variant of Uncertain Significance.